The following is an entry in ClinVar:

NM_000337.6(SGCD):c.506C>A (p.Ala169Glu)

Gene: SGCD (sarcoglycan delta; plus strand). Cytogenetic location: 5q33.3.
Variant type: single nucleotide variant.
Coding change: c.506C>A on transcript NM_000337.6 (MANE Select); coding-DNA position 506, C replaced by A.
Protein change: p.Ala169Glu; replaces alanine 169 with glutamic acid.
Molecular consequence: missense variant.
Genome position (GRCh38, 1-based): chr5:156,647,467, C>A. VCF-style: chr5-156647467-C-A. GRCh37 (hg19) VCF-style: chr5-156074477-C-A.
Other names: c.503C>A, p.Ala168Glu (NM_001128209.2); c.506C>A, p.Ala169Glu (NM_172244.3); short protein forms A168E, A169E.
Identifiers: ClinVar variation 1745144 (VCV001745144.2), dbSNP rs876658001, ClinGen allele CA362008159.

ClinVar aggregate classification (germline): Uncertain significance (1 of 4 stars; one submission).

Conditions:
Inborn genetic diseases. Identifiers: MedGen C0950123, MeSH D030342.

Allele frequency attached by ClinVar (database versions not stated): gnomAD 0.00001; TOPMed 0.00002.
gnomAD v4.1: 3 of 1,578,556 alleles (0.00019%); highest among the groups gnomAD compares: Non-Finnish European, 0.00026%; no homozygotes.

Submission:

Ambry Genetics
Classification: Uncertain significance for Inborn genetic diseases. Last evaluated: 2022-06-06. Review status: criteria provided, single submitter. Criteria: Ambry Variant Classification Scheme 2023. Collection method: clinical testing. Allele origin: germline.
Comment: The p.A169E variant (also known as c.506C>A), located in coding exon 6 of the SGCD gene, results from a C to A substitution at nucleotide position 506. The alanine at codon 169 is replaced by glutamic acid, an amino acid with dissimilar properties. This amino acid position is conserved. In addition, this alteration is predicted to be deleterious by in silico analysis. Since supporting evidence is limited at this time, the clinical significance of this alteration remains unclear.